The following is an entry in ClinVar:

NM_178857.6(RP1L1):c.6723A>G (p.Ser2241=)

Gene: RP1L1 (RP1 like 1). Cytogenetic location: 8p23.1.
Variant type: single nucleotide variant.
Coding change: c.6723A>G on transcript NM_178857.6 (MANE Select); coding-DNA position 6723, A replaced by G.
Protein change: p.Ser2241=; no amino-acid change (serine 2241 retained).
Molecular consequence: synonymous variant.
Genome position (GRCh38, 1-based): chr8:10,607,375, T>C on the plus strand (A>G on the coding strand, the complement: RP1L1 is on the minus strand). VCF-style: chr8-10607375-T-C. GRCh37 (hg19) VCF-style: chr8-10464885-T-C.
Identifiers: ClinVar variation 361212 (VCV000361212.16), dbSNP rs56382513, ClinGen allele CA4623188.
Genomic context (GRCh38, chr8:10,607,375, plus strand): 5'-TTGGCCATCTCCTAGACTGACCTGAGGGCTCCCCTTTTTCTCACCTTGAGTTTCTCCTTC[T>C]GACTCTGGCTGGGCCTCCCCTTCAGCCTCCGGGGTCTCTACGCCTTCTGGCTCTGGCTGG-3'
Protein context (NP_849188.4, residues 2231-2251): PEAEGEAQPE[Ser2241=]EGETQGEKKG

ClinVar aggregate classification (germline): Benign. Review status: criteria provided, multiple submitters, no conflicts (2 of 4 stars). 8 submissions from 7 submitters: Benign (6). 2 of the submissions do not count toward it. Last evaluated 2023-10-01.

Conditions:
Occult macular dystrophy (OCMD). Also called: OMD; OCCULT MACULAR DYSTROPHY, SUSCEPTIBILITY TO. Identifiers: Orphanet 247834, MedGen C3150833, MONDO:0013316, OMIM 613587, HP:0030636.
Retinitis pigmentosa 88. Identifiers: MedGen C5394208, MONDO:0032940, OMIM 618826.
Retinal dystrophy. Also called: Inherited retinal dystrophy. Identifiers: Orphanet 71862, MedGen C0854723, MeSH D058499, MONDO:0019118, HP:0000556.

Allele frequency attached by ClinVar (database versions not stated): ESP Exome Variant Server 0.52270; gnomAD 0.55050 and 0.56040; gnomAD exomes 0.55273 and 0.61906; TOPMed 0.56546; ExAC 0.60941; 1000 Genomes Project 30x 0.64413; 1000 Genomes Project 0.65096.

Submissions (8):

Dept Of Ophthalmology, Nagoya University
Classification: Benign for Retinal dystrophy. Last evaluated: 2023-10-01. Review status: criteria provided, single submitter. Criteria: Submitter's publication. Collection method: research. Allele origin: germline. Affected: yes.

Genome-Nilou Lab
Classification: Benign for Occult macular dystrophy. Last evaluated: 2021-11-07. Review status: criteria provided, single submitter. Criteria: ACMG Guidelines, 2015. Collection method: clinical testing. Allele origin: germline. Affected: no.

Genome-Nilou Lab
Classification: Benign for Retinitis pigmentosa 88. Last evaluated: 2021-11-07. Review status: criteria provided, single submitter. Criteria: ACMG Guidelines, 2015. Collection method: clinical testing. Allele origin: germline. Affected: no.

GeneDx
Classification: Benign. Last evaluated: 2019-07-17. Review status: criteria provided, single submitter. Criteria: GeneDx Variant Classification Process June 2021. Collection method: clinical testing. Allele origin: germline. Affected: yes.

Illumina Laboratory Services, Illumina
Classification: Benign for Occult macular dystrophy. Last evaluated: 2018-01-13. Review status: criteria provided, single submitter. Criteria: ICSL Variant Classification Criteria 13 December 2019. Collection method: clinical testing. Allele origin: germline.
Comment: This variant was observed in the ICSL laboratory as part of a predisposition screen in an ostensibly healthy population. It had not been previously curated by ICSL or reported in the Human Gene Mutation Database (HGMD: prior to June 1st, 2018), and was therefore a candidate for classification through an automated scoring system. Utilizing variant allele frequency, disease prevalence and penetrance estimates, and inheritance mode, an automated score was calculated to assess if this variant is too frequent to cause the disease. Based on the score and internal cut-off values, a variant classified as benign is not then subjected to further curation. The score for this variant resulted in a classification of benign for this disease.

Breakthrough Genomics
Classification: Benign. Review status: criteria provided, single submitter. Criteria: ACMG Guidelines, 2015. Collection method: not provided. Allele origin: germline. Inheritance: Autosomal recessive inheritance. Affected: yes.

Diagnostic Laboratory, Department of Genetics, University Medical Center Groningen
Classification: Benign. Review status: no assertion criteria provided. Collection method: clinical testing. Allele origin: germline. Affected: yes. Study: VKGL Data-share Consensus. Not counted in ClinVar's aggregate classification.

Joint Genome Diagnostic Labs from Nijmegen and Maastricht, Radboudumc and MUMC+
Classification: Benign. Review status: no assertion criteria provided. Collection method: clinical testing. Allele origin: germline. Affected: yes. Study: VKGL Data-share Consensus. Not counted in ClinVar's aggregate classification.